The following is an entry in ClinVar:

ClinVar aggregate classification (germline): Uncertain significance (1 of 4 stars; one submission).

Conditions:
Left ventricular noncompaction 1 (LVNC1). Also called: LEFT VENTRICULAR NONCOMPACTION 1 WITH OR WITHOUT CONGENITAL HEART DEFECTS. Identifiers: Orphanet 54260, MedGen C1858725, MONDO:0011403, OMIM 604169.

Allele frequency attached by ClinVar (database versions not stated): gnomAD exomes below 0.00001; TOPMed below 0.00001.
gnomAD v4.1: 6 of 1,614,230 alleles (0.00037%); highest among the groups gnomAD compares: Non-Finnish European, 0.00042%; no homozygotes.

Submission:

Labcorp Genetics (formerly Invitae), Labcorp
Classification: Uncertain significance for Left ventricular noncompaction 1. Last evaluated: 2021-08-26. Review status: criteria provided, single submitter. Criteria: Invitae Variant Classification Sherloc (09022015). Collection method: clinical testing. Allele origin: germline.
Comment: Algorithms developed to predict the effect of missense changes on protein structure and function (SIFT, PolyPhen-2, Align-GVGD) all suggest that this variant is likely to be tolerated. This sequence change replaces glutamine with arginine at codon 591 of the DTNA protein (p.Gln591Arg). The glutamine residue is moderately conserved and there is a small physicochemical difference between glutamine and arginine. This variant is not present in population databases (ExAC no frequency). This variant has not been reported in the literature in individuals affected with DTNA-related conditions. In summary, the available evidence is currently insufficient to determine the role of this variant in disease. Therefore, it has been classified as a Variant of Uncertain Significance.

NM_001386795.1(DTNA):c.1853A>G (p.Gln618Arg)

Gene: DTNA (dystrobrevin alpha; plus strand). Cytogenetic location: 18q12.1.
Variant type: single nucleotide variant.
Coding change: c.1853A>G on transcript NM_001386795.1 (MANE Select); coding-DNA position 1853, A replaced by G.
Protein change: p.Gln618Arg; replaces glutamine 618 with arginine.
Molecular consequence: missense variant.
Genome position (GRCh38, 1-based): chr18:34,875,348, A>G. VCF-style: chr18-34875348-A-G. GRCh37 (hg19) VCF-style: chr18-32455312-A-G.
Other names: c.1592A>G, p.Gln531Arg (NM_001198938.2, NM_001198940.2, NM_001386753.1 and 5 more transcripts); c.1613A>G, p.Gln538Arg (NM_001198939.2); c.899A>G, p.Gln300Arg (NM_001198942.1); c.842A>G, p.Gln281Arg (NM_001198943.1); c.728A>G, p.Gln243Arg (NM_001198944.1); c.1682A>G, p.Gln561Arg (NM_001386754.1, NM_001386755.1, NM_001386756.1 and 3 more transcripts); c.1679A>G, p.Gln560Arg (NM_001386760.1); c.1601A>G, p.Gln534Arg (NM_001386761.1, NM_032975.4); and 5 more; short protein forms Q538R, Q530R, Q534R, Q561R, Q239R, Q533R, Q243R, Q281R.
Identifiers: ClinVar variation 1428899 (VCV001428899.6), dbSNP rs2096804507, ClinGen allele CA402178036.